The following is an entry in ClinVar:

ClinVar aggregate classification (germline): Benign/Likely benign. Review status: criteria provided, multiple submitters, no conflicts (2 of 4 stars). 3 submissions from 3 submitters: Benign (1); Likely benign (2). Last evaluated 2025-11-08.

Allele frequency attached by ClinVar (database versions not stated): gnomAD exomes 0.00031 and 0.00086; ExAC 0.00104; gnomAD 0.00366 and 0.00386; TOPMed 0.00371; ESP Exome Variant Server 0.00415; 1000 Genomes Project 0.00439; 1000 Genomes Project 30x 0.00453.
gnomAD v4.1: 1,013 of 1,614,024 alleles (0.063%); highest among the groups gnomAD compares: African/African-American, 1.3%; 4 homozygotes.

Submissions (3):

Labcorp Genetics (formerly Invitae), Labcorp
Classification: Benign. Last evaluated: 2025-11-08. Review status: criteria provided, single submitter. Criteria: Invitae Variant Classification Sherloc (09022015). Collection method: clinical testing. Allele origin: germline.

GeneDx
Classification: Likely benign. Last evaluated: 2024-04-29. Review status: criteria provided, single submitter. Criteria: GeneDx Variant Classification Process June 2021. Collection method: clinical testing. Allele origin: germline. Affected: yes.
Comment: See Variant Classification Assertion Criteria.

Breakthrough Genomics
Classification: Likely benign. Review status: criteria provided, single submitter. Criteria: ACMG Guidelines, 2015. Collection method: not provided. Allele origin: germline. Inheritance: Unknown mechanism. Affected: yes.

NM_000780.4(CYP7A1):c.256C>A (p.His86Asn)

Gene: CYP7A1 (cytochrome P450 family 7 subfamily A member 1; minus strand). Cytogenetic location: 8q12.1.
Variant type: single nucleotide variant.
Coding change: c.256C>A on transcript NM_000780.4 (MANE Select); coding-DNA position 256, C replaced by A.
Protein change: p.His86Asn; replaces histidine 86 with asparagine.
Molecular consequence: missense variant.
Genome position (GRCh38, 1-based): chr8:58,498,294, G>T on the plus strand (C>A on the coding strand, the complement: CYP7A1 is on the minus strand). VCF-style: chr8-58498294-G-T. GRCh37 (hg19) VCF-style: chr8-59410853-G-T.
Other names: short protein forms H86N.
Identifiers: ClinVar variation 782514 (VCV000782514.13), dbSNP rs62621283, ClinGen allele CA4756849.
Genomic context (GRCh38, chr8:58,498,294, plus strand): 5'-CAGAAGTAGCAAAGTGAAATTTTTTCCAATCAAAATATTTTCCGTGGCACAACACCTTAT[G>T]GTATGACAAGGGATTTGTGATGAAATGGACATATTTTCCCATTAGTTTGCAGGTAAAAAC-3'
Protein context (NP_000771.2, residues 76-96): VHFITNPLSY[His86Asn]KVLCHGKYFD